The following is an entry in ClinVar:

ClinVar aggregate classification (germline): Uncertain significance. Review status: criteria provided, single submitter (1 of 4 stars). 2 submissions from 2 submitters: Uncertain significance (1). 1 of the submissions does not count toward it. Last evaluated 2025-07-31.

Conditions:
EPPK1-related disorder. Also called: EPPK1-related condition.

Allele frequency attached by ClinVar (database versions not stated): gnomAD exomes 0.00016; ExAC 0.00062; 1000 Genomes Project 0.00160; gnomAD 0.00186; 1000 Genomes Project 30x 0.00187; ESP Exome Variant Server 0.00199; TOPMed 0.00219.

Submissions (2):

Ambry Genetics
Classification: Uncertain significance. Last evaluated: 2025-07-31. Review status: criteria provided, single submitter. Criteria: Ambry Variant Classification Scheme 2023. Collection method: clinical testing. Allele origin: germline.

PreventionGenetics, part of Exact Sciences
Classification: Likely benign for EPPK1-related condition. Last evaluated: 2022-04-18. Review status: no assertion criteria provided. Collection method: clinical testing. Allele origin: germline. Not counted in ClinVar's aggregate classification.
Comment: This variant is classified as likely benign based on ACMG/AMP sequence variant interpretation guidelines (Richards et al. 2015 PMID: 25741868, with internal and published modifications).

NM_031308.4(EPPK1):c.3980A>G (p.Tyr1327Cys)

Gene: EPPK1 (epiplakin 1; minus strand). Cytogenetic location: 8q24.3.
Variant type: single nucleotide variant.
Coding change: c.3980A>G on transcript NM_031308.4 (MANE Select); coding-DNA position 3980, A replaced by G.
Protein change: p.Tyr1327Cys; replaces tyrosine 1327 with cysteine.
Molecular consequence: missense variant.
Genome position (GRCh38, 1-based): chr8:143,869,274, T>C on the plus strand (A>G on the coding strand, the complement: EPPK1 is on the minus strand). VCF-style: chr8-143869274-T-C. GRCh37 (hg19) VCF-style: chr8-144943442-T-C.
Other names: c.3980A>G (NM_031308.1); short protein forms Y1327C.
Identifiers: ClinVar variation 3052768 (VCV003052768.3), dbSNP rs181084561, ClinGen allele CA4922628.